The following is an entry in ClinVar:

NM_001142800.2(EYS):c.2885T>G (p.Phe962Cys)

Gene: EYS (EGF-like photoreceptor maintenance factor; minus strand). Cytogenetic location: 6q12.
Variant type: single nucleotide variant.
Coding change: c.2885T>G on transcript NM_001142800.2 (MANE Select); coding-DNA position 2885, T replaced by G.
Protein change: p.Phe962Cys; replaces phenylalanine 962 with cysteine.
Molecular consequence: missense variant.
Genome position (GRCh38, 1-based): chr6:64,886,804, A>C on the plus strand (T>G on the coding strand, the complement: EYS is on the minus strand). VCF-style: chr6-64886804-A-C. GRCh37 (hg19) VCF-style: chr6-65596697-A-C.
Other names: c.2885T>G, p.Phe962Cys (NM_001292009.2); short protein forms F962C.
Identifiers: ClinVar variation 4749041 (VCV004749041.1).

ClinVar aggregate classification (germline): Uncertain significance (1 of 4 stars; one submission).

gnomAD v4.1: 3 of 1,546,334 alleles (0.00019%); highest among the groups gnomAD compares: Non-Finnish European, 0.00026%; no homozygotes.

Submission:

Labcorp Genetics (formerly Invitae), Labcorp
Classification: Uncertain significance. Last evaluated: 2025-10-09. Review status: criteria provided, single submitter. Criteria: Invitae Variant Classification Sherloc (09022015). Collection method: clinical testing. Allele origin: germline.
Comment: This sequence change replaces phenylalanine, which is neutral and non-polar, with cysteine, which is neutral and slightly polar, at codon 962 of the EYS protein (p.Phe962Cys). This variant is not present in population databases (gnomAD no frequency). This variant has not been reported in the literature in individuals affected with EYS-related conditions. Invitae Evidence Modeling of protein sequence and biophysical properties (such as structural, functional, and spatial information, amino acid conservation, physicochemical variation, residue mobility, and thermodynamic stability) indicates that this missense variant is not expected to disrupt EYS protein function with a negative predictive value of 80%. In summary, the available evidence is currently insufficient to determine the role of this variant in disease. Therefore, it has been classified as a Variant of Uncertain Significance.